The following is an entry in ClinVar:

NM_001393769.1(MED12L):c.1664C>G (p.Ser555Cys)

Gene: MED12L (mediator complex subunit 12L; plus strand). Cytogenetic location: 3q25.1.
Variant type: single nucleotide variant.
Coding change: c.1664C>G on transcript NM_001393769.1 (MANE Select); coding-DNA position 1664, C replaced by G.
Protein change: p.Ser555Cys; replaces serine 555 with cysteine.
Molecular consequence: missense variant.
Genome position (GRCh38, 1-based): chr3:151,188,391, C>G. VCF-style: chr3-151188391-C-G. GRCh37 (hg19) VCF-style: chr3-150906178-C-G.
Other names: c.1664C>G, p.Ser555Cys (NM_053002.6); short protein forms S555C.
Identifiers: ClinVar variation 3371148 (VCV003371148.2).

ClinVar aggregate classification (germline): Uncertain significance (1 of 4 stars; one submission).

Submission:

GeneDx
Classification: Uncertain significance. Last evaluated: 2025-04-09. Review status: criteria provided, single submitter. Criteria: GeneDx Variant Classification Process June 2021. Collection method: clinical testing. Allele origin: germline. Affected: yes.
Comment: Not observed at significant frequency in large population cohorts (gnomAD); In silico analysis supports that this missense variant has a deleterious effect on protein structure/function; Has not been previously published as pathogenic or benign to our knowledge